The following is an entry in ClinVar:

NM_001961.4(EEF2):c.143C>T (p.Ser48Leu)

Gene: EEF2 (eukaryotic translation elongation factor 2; minus strand). Cytogenetic location: 19p13.3.
Variant type: single nucleotide variant.
Coding change: c.143C>T on transcript NM_001961.4 (MANE Select); coding-DNA position 143, C replaced by T.
Protein change: p.Ser48Leu; replaces serine 48 with leucine.
Molecular consequence: missense variant.
Genome position (GRCh38, 1-based): chr19:3,984,211, G>A on the plus strand (C>T on the coding strand, the complement: EEF2 is on the minus strand). VCF-style: chr19-3984211-G-A. GRCh37 (hg19) VCF-style: chr19-3984209-G-A.
Other names: c.143C>T (NM_001961.3); short protein forms S48L.
Identifiers: ClinVar variation 1049207 (VCV001049207.5), dbSNP rs1407899802, ClinGen allele CA403395569.

ClinVar aggregate classification (germline): Uncertain significance. Review status: criteria provided, single submitter (1 of 4 stars). 2 submissions from 2 submitters: Uncertain significance (1). 1 of the submissions does not count toward it. Last evaluated 2025-07-31.

Allele frequency attached by ClinVar (database versions not stated): gnomAD exomes below 0.00001 and 0.00001.
gnomAD v4.1: 12 of 1,614,116 alleles (0.00074%); highest among the groups gnomAD compares: African/African-American, 0.0013%; no homozygotes.

Submissions (2):

Ambry Genetics
Classification: Uncertain significance. Last evaluated: 2025-07-31. Review status: criteria provided, single submitter. Criteria: Ambry Variant Classification Scheme 2023. Collection method: clinical testing. Allele origin: germline.

Department of Pathology and Laboratory Medicine, Sinai Health System
Classification: Uncertain significance. Review status: no assertion criteria provided. Collection method: clinical testing. Allele origin: unknown. Affected: yes. Study: The Canadian Open Genetics Repository (COGR). Not counted in ClinVar's aggregate classification.
Comment: The EEF2 p.Ser48Leu variant was not identified in the literature nor was it identified in ClinVar or LOVD 3.0. The variant was identified in dbSNP (ID: rs1407899802) and in control databases in 1 of 251206 chromosomes at a frequency of 0.000003981 (Genome Aggregation Database March 6, 2019, v2.1.1). The variant was observed in the European (non-Finnish) population in 1 of 113532 chromosomes (freq: 0.000009), but was not observed in the African, Latino, Ashkenazi Jewish, East Asian, European (Finnish), Other or South Asian populations. The p.Ser48 residue is conserved in mammals and computational analyses (PolyPhen-2, SIFT, AlignGVGD, BLOSUM, MutationTaster) provide inconsistent predictions regarding the impact to the protein; this information is not very predictive of pathogenicity. The variant occurs outside of the splicing consensus sequence and in silico or computational prediction software programs (SpliceSiteFinder, MaxEntScan, NNSPLICE, GeneSplicer) do not predict a difference in splicing. In summary, based on the above information the clinical significance of this variant cannot be determined with certainty at this time. This variant is classified as a variant of uncertain significance.